The following is an entry in ClinVar:

ClinVar aggregate classification (germline): Uncertain significance (1 of 4 stars; one submission).

Submission:

Labcorp Genetics (formerly Invitae), Labcorp
Classification: Uncertain significance. Last evaluated: 2024-01-29. Review status: criteria provided, single submitter. Criteria: Invitae Variant Classification Sherloc (09022015). Collection method: clinical testing. Allele origin: germline.
Comment: This sequence change creates a premature translational stop signal (p.Met49Asnfs*32) in the KCNJ13 gene. It is expected to result in an absent or disrupted protein product. However, the current clinical and genetic evidence is not sufficient to establish whether loss-of-function variants in KCNJ13 cause disease. This variant is not present in population databases (gnomAD no frequency). This variant has not been reported in the literature in individuals affected with KCNJ13-related conditions. In summary, the available evidence is currently insufficient to determine the role of this variant in disease. Therefore, it has been classified as a Variant of Uncertain Significance.

NM_002242.4(KCNJ13):c.143dup (p.Met49fs)

Genes: GIGYF2 (GRB10 interacting GYF protein 2; plus strand), KCNJ13 (potassium inwardly rectifying channel subfamily J member 13; minus strand). Cytogenetic location: 2q37.1.
Variant type: Duplication.
Coding change: c.143dup on transcript NM_002242.4 (MANE Select); coding-DNA position 143, one base duplicated (T; older notation c.143dupT).
Protein change: p.Met49fs; shifts the reading frame from methionine 49.
Molecular consequence: frameshift variant. On other transcripts: intron variant (5).
Genome position (GRCh38, 1-based): chr2:232,771,220, A duplicated on the plus strand (T on the coding strand, the reverse complement: KCNJ13 is on the minus strand). VCF-style (leftmost placement, unchanged base first): chr2-232771219-T-TA. GRCh37 (hg19) VCF-style: chr2-233635929-T-TA.
Other names: c.143dup, p.Met49fs (NM_001172416.1); c.532+9784dup (NM_001103146.3, NM_015575.4, NM_001103148.2); c.533-5192dup (NM_001103147.2); c.-23-75dup (NM_001172417.1); short protein forms M49fs.
Identifiers: ClinVar variation 2870594 (VCV002870594.3), dbSNP rs2469813865, ClinGen allele CA2739279122.